The following is an entry in ClinVar:

NM_004977.3(KCNC3):c.1768G>T (p.Gly590Cys)

Gene: KCNC3 (potassium voltage-gated channel subfamily C member 3; minus strand). Cytogenetic location: 19q13.33.
Variant type: single nucleotide variant.
Coding change: c.1768G>T on transcript NM_004977.3 (MANE Select); coding-DNA position 1768, G replaced by T.
Protein change: p.Gly590Cys; replaces glycine 590 with cysteine.
Molecular consequence: missense variant.
Genome position (GRCh38, 1-based): chr19:50,323,185, C>A on the plus strand (G>T on the coding strand, the complement: KCNC3 is on the minus strand). VCF-style: chr19-50323185-C-A. GRCh37 (hg19) VCF-style: chr19-50826442-C-A.
Other names: c.1540G>T, p.Gly514Cys (NM_001372305.1); short protein forms G514C, G590C.
Identifiers: ClinVar variation 2811710 (VCV002811710.3), dbSNP rs1167185763, ClinGen allele CA406950035.
Genomic context (GRCh38, chr19:50,323,185, plus strand): 5'-CCACAGTCACCCCCATGGAGGGTGGGGTGATGGGTGGCGGCGGGCTGATGCCCCCGCTGC[C>A]GTGGTGCGGGTGGGGCGGGGGTGGCGGGGGTGGGTCAGGCTTGCAGTAGTTGGGCGAGCC-3'
Protein context (NP_004968.2, residues 580-600): PPPPPPHPHH[Gly590Cys]SGGISPPPPI

ClinVar aggregate classification (germline): Uncertain significance (1 of 4 stars; one submission).

Submission:

Labcorp Genetics (formerly Invitae), Labcorp
Classification: Uncertain significance. Last evaluated: 2022-11-03. Review status: criteria provided, single submitter. Criteria: Invitae Variant Classification Sherloc (09022015). Collection method: clinical testing. Allele origin: germline.
Comment: In summary, the available evidence is currently insufficient to determine the role of this variant in disease. Therefore, it has been classified as a Variant of Uncertain Significance. Advanced modeling of protein sequence and biophysical properties (such as structural, functional, and spatial information, amino acid conservation, physicochemical variation, residue mobility, and thermodynamic stability) performed at Invitae indicates that this missense variant is not expected to disrupt KCNC3 protein function. This variant has not been reported in the literature in individuals affected with KCNC3-related conditions. This variant is not present in population databases (gnomAD no frequency). This sequence change replaces glycine, which is neutral and non-polar, with cysteine, which is neutral and slightly polar, at codon 590 of the KCNC3 protein (p.Gly590Cys).